The following is an entry in ClinVar:

ClinVar aggregate classification (germline): Uncertain significance (1 of 4 stars; one submission).

Conditions:
Ornithine aminotransferase deficiency (GACR). Also called: HYPERORNITHINEMIA WITH GYRATE ATROPHY OF CHOROID AND RETINA; OAT DEFICIENCY; OKT DEFICIENCY; Ornithine ketoacid aminotransferase deficiency; Gyrate atrophy; Gyrate atrophy of choroid and retina. Identifiers: Orphanet 414, MedGen C0018425, MONDO:0009796, OMIM 258870.

Submission:

Labcorp Genetics (formerly Invitae), Labcorp
Classification: Uncertain significance for Ornithine aminotransferase deficiency. Last evaluated: 2022-05-10. Review status: criteria provided, single submitter. Criteria: Invitae Variant Classification Sherloc (09022015). Collection method: clinical testing. Allele origin: germline.
Comment: This sequence change replaces isoleucine, which is neutral and non-polar, with phenylalanine, which is neutral and non-polar, at codon 207 of the OAT protein (p.Ile207Phe). This variant is not present in population databases (gnomAD no frequency). This variant has not been reported in the literature in individuals affected with OAT-related conditions. Algorithms developed to predict the effect of missense changes on protein structure and function are either unavailable or do not agree on the potential impact of this missense change (SIFT: "Deleterious"; PolyPhen-2: "Benign"; Align-GVGD: "Class C0"). In summary, the available evidence is currently insufficient to determine the role of this variant in disease. Therefore, it has been classified as a Variant of Uncertain Significance.

NM_000274.4(OAT):c.619A>T (p.Ile207Phe)

Gene: OAT (ornithine aminotransferase; minus strand). Cytogenetic location: 10q26.13.
Variant type: single nucleotide variant.
Coding change: c.619A>T on transcript NM_000274.4 (MANE Select); coding-DNA position 619, A replaced by T.
Protein change: p.Ile207Phe; replaces isoleucine 207 with phenylalanine.
Molecular consequence: missense variant.
Genome position (GRCh38, 1-based): chr10:124,405,465, T>A on the plus strand (A>T on the coding strand, the complement: OAT is on the minus strand). VCF-style: chr10-124405465-T-A. GRCh37 (hg19) VCF-style: chr10-126094034-T-A.
Other names: c.205A>T, p.Ile69Phe (NM_001171814.2); c.619A>T, p.Ile207Phe (NM_001322965.2, NM_001322966.2, NM_001322967.2 and 3 more transcripts); c.298A>T, p.Ile100Phe (NM_001322971.2); c.19A>T, p.Ile7Phe (NM_001322974.2); short protein forms I207F, I69F, I7F, I100F.
Identifiers: ClinVar variation 1992767 (VCV001992767.1), dbSNP rs2494476318, ClinGen allele CA378636229.